The following is an entry in ClinVar:

ClinVar aggregate classification (germline): Uncertain significance (1 of 4 stars; one submission).

Conditions:
Cohen syndrome (COH1). Also called: Cutis verticis gyrata, retinitis pigmentosa, and sensorineural deafness; PEPPER SYNDROME. Identifiers: Orphanet 193, MedGen C0265223, MONDO:0008999, OMIM 216550.

Allele frequency attached by ClinVar (database versions not stated): gnomAD exomes below 0.00001.
gnomAD v4.1: 1 of 1,614,036 alleles (0.000062%); highest among the groups gnomAD compares: Non-Finnish European, 0.000085%; no homozygotes.

Submission:

Labcorp Genetics (formerly Invitae), Labcorp
Classification: Uncertain significance for Cohen syndrome. Last evaluated: 2024-02-05. Review status: criteria provided, single submitter. Criteria: Invitae Variant Classification Sherloc (09022015). Collection method: clinical testing. Allele origin: germline.
Comment: This sequence change replaces histidine, which is basic and polar, with arginine, which is basic and polar, at codon 1487 of the VPS13B protein (p.His1487Arg). This variant is present in population databases (no rsID available, gnomAD 0.0009%). This variant has not been reported in the literature in individuals affected with VPS13B-related conditions. ClinVar contains an entry for this variant (Variation ID: 2101761). Advanced modeling of protein sequence and biophysical properties (such as structural, functional, and spatial information, amino acid conservation, physicochemical variation, residue mobility, and thermodynamic stability) performed at Invitae indicates that this missense variant is not expected to disrupt VPS13B protein function with a negative predictive value of 80%. In summary, the available evidence is currently insufficient to determine the role of this variant in disease. Therefore, it has been classified as a Variant of Uncertain Significance.

NM_152564.5(VPS13B):c.4385A>G (p.His1462Arg)

Gene: VPS13B (vacuolar protein sorting 13 homolog B; plus strand). Cytogenetic location: 8q22.2.
Variant type: single nucleotide variant.
Coding change: c.4385A>G on transcript NM_152564.5 (MANE Select); coding-DNA position 4385, A replaced by G.
Protein change: p.His1462Arg; replaces histidine 1462 with arginine.
Molecular consequence: missense variant.
Genome position (GRCh38, 1-based): chr8:99,511,264, A>G. VCF-style: chr8-99511264-A-G. GRCh37 (hg19) VCF-style: chr8-100523492-A-G.
Other names: c.4460A>G, p.His1487Arg (NM_017890.5); short protein forms H1462R, H1487R.
Identifiers: ClinVar variation 2101761 (VCV002101761.3), dbSNP rs1267695807, ClinGen allele CA371871508.